The following is an entry in ClinVar:

ClinVar aggregate classification (germline): Uncertain significance (1 of 4 stars; one submission).

Submission:

Labcorp Genetics (formerly Invitae), Labcorp
Classification: Uncertain significance. Last evaluated: 2023-03-27. Review status: criteria provided, single submitter. Criteria: Invitae Variant Classification Sherloc (09022015). Collection method: clinical testing. Allele origin: germline.
Comment: This variant is not present in population databases (gnomAD no frequency). This sequence change replaces tryptophan, which is neutral and slightly polar, with cysteine, which is neutral and slightly polar, at codon 1034 of the TAOK2 protein (p.Trp1034Cys). This variant has not been reported in the literature in individuals affected with TAOK2-related conditions. An algorithm developed to predict the effect of missense changes on protein structure and function (PolyPhen-2) suggests that this variant is likely to be disruptive. In summary, the available evidence is currently insufficient to determine the role of this variant in disease. Therefore, it has been classified as a Variant of Uncertain Significance.

NM_016151.4(TAOK2):c.3102G>C (p.Trp1034Cys)

Gene: TAOK2 (TAO kinase 2; plus strand). Cytogenetic location: 16p11.2.
Variant type: single nucleotide variant.
Coding change: c.3102G>C on transcript NM_016151.4 (MANE Select); coding-DNA position 3102, G replaced by C.
Protein change: p.Trp1034Cys; replaces tryptophan 1034 with cysteine.
Molecular consequence: missense variant. On other transcripts: intron variant (1).
Genome position (GRCh38, 1-based): chr16:29,987,374, G>C. VCF-style: chr16-29987374-G-C. GRCh37 (hg19) VCF-style: chr16-29998695-G-C.
Other names: c.2763G>C, p.Trp921Cys (NM_001252043.2); c.2232+870G>C (NM_004783.4); short protein forms W1034C, W921C.
Identifiers: ClinVar variation 2849985 (VCV002849985.3), dbSNP rs1312865991, ClinGen allele CA395498291.